The following is an entry in ClinVar:

NM_001018115.3(FANCD2):c.2683C>T (p.Pro895Ser)

Genes: FANCD2 (FA complementation group D2; plus strand), LOC107303338 (3p25 FANCD2 Alu-mediated recombination region; plus strand). Cytogenetic location: 3p25.3.
Variant type: single nucleotide variant.
Coding change: c.2683C>T on transcript NM_001018115.3 (MANE Select); coding-DNA position 2683, C replaced by T.
Protein change: p.Pro895Ser; replaces proline 895 with serine.
Molecular consequence: missense variant.
Genome position (GRCh38, 1-based): chr3:10,073,330, C>T. VCF-style: chr3-10073330-C-T. GRCh37 (hg19) VCF-style: chr3-10115014-C-T.
Other names: c.2683C>T, p.Pro895Ser (NM_001319984.2, NM_001374254.1, NM_033084.6); c.2572C>T, p.Pro858Ser (NM_001374253.1); short protein forms P895S, P858S.
Identifiers: ClinVar variation 1036161 (VCV001036161.8), dbSNP rs1693355244, ClinGen allele CA351742924.

ClinVar aggregate classification (germline): Uncertain significance (1 of 4 stars; one submission).

Conditions:
Fanconi anemia (FA). Also called: Fanconi's anemia. Identifiers: Orphanet 84, MedGen C0015625, MeSH D005199, MONDO:0019391.

Submission:

Labcorp Genetics (formerly Invitae), Labcorp
Classification: Uncertain significance for Fanconi anemia. Last evaluated: 2018-04-05. Review status: criteria provided, single submitter. Criteria: Invitae Variant Classification Sherloc (09022015). Collection method: clinical testing. Allele origin: germline.
Comment: This sequence change replaces proline with serine at codon 895 of the FANCD2 protein (p.Pro895Ser). The proline residue is weakly conserved and there is a moderate physicochemical difference between proline and serine. This variant is not present in population databases (ExAC no frequency). This variant has not been reported in the literature in individuals with FANCD2-related disease. Algorithms developed to predict the effect of missense changes on protein structure and function (SIFT, PolyPhen-2, Align-GVGD) all suggest that this variant is likely to be tolerated, but these predictions have not been confirmed by published functional studies and their clinical significance is uncertain. In summary, the available evidence is currently insufficient to determine the role of this variant in disease. Therefore, it has been classified as a Variant of Uncertain Significance.